The following is an entry in ClinVar:

NM_025132.4(WDR19):c.3268A>C (p.Lys1090Gln)

Gene: WDR19 (WD repeat domain 19; plus strand). Cytogenetic location: 4p14.
Variant type: single nucleotide variant.
Coding change: c.3268A>C on transcript NM_025132.4 (MANE Select); coding-DNA position 3268, A replaced by C.
Protein change: p.Lys1090Gln; replaces lysine 1090 with glutamine.
Molecular consequence: missense variant.
Genome position (GRCh38, 1-based): chr4:39,268,001, A>C. VCF-style: chr4-39268001-A-C. GRCh37 (hg19) VCF-style: chr4-39269621-A-C.
Other names: c.2788A>C, p.Lys930Gln (NM_001317924.2); short protein forms K1090Q, K930Q.
Identifiers: ClinVar variation 767322 (VCV000767322.14), dbSNP rs147302274, ClinGen allele CA2892323.

ClinVar aggregate classification (germline): Likely benign. Review status: criteria provided, multiple submitters, no conflicts (2 of 4 stars). 4 submissions from 4 submitters: Likely benign (3). 1 of the submissions does not count toward it. Last evaluated 2025-12-30.

Conditions:
WDR19-related disorder. Also called: WDR19-related disorders; WDR19-related condition. Identifiers: MedGen CN380161.
Asphyxiating thoracic dystrophy 5 (SRTD5). Also called: SHORT-RIB THORACIC DYSPLASIA 5 WITH OR WITHOUT POLYDACTYLY; SHORT-RIB THORACIC DYSPLASIA 5 WITHOUT POLYDACTYLY. Identifiers: Orphanet 474, MedGen C3280598, MONDO:0013717, OMIM 614376.
Senior-Loken syndrome 8 (SLSN8). Identifiers: Orphanet 3156, MedGen C4225376, MONDO:0014579, OMIM 616307.

Allele frequency attached by ClinVar (database versions not stated): gnomAD 0.00112 and 0.00107; TOPMed 0.00114; gnomAD exomes 0.00024 and 0.00008; ExAC 0.00051; 1000 Genomes Project 0.00060; 1000 Genomes Project 30x 0.00062; ESP Exome Variant Server 0.00107.
gnomAD v4.1: 285 of 1,601,968 alleles (0.018%); highest among the groups gnomAD compares: African/African-American, 0.3%; no homozygotes.

Submissions (4):

Labcorp Genetics (formerly Invitae), Labcorp
Classification: Likely benign for Senior-Loken syndrome 8; Asphyxiating thoracic dystrophy 5. Last evaluated: 2025-12-30. Review status: criteria provided, single submitter. Criteria: Invitae Variant Classification Sherloc (09022015). Collection method: clinical testing. Allele origin: germline.

Blueprint Genetics
Classification: Likely benign. Last evaluated: 2024-09-11. Review status: criteria provided, single submitter. Criteria: ACMG Guidelines, 2015. Collection method: clinical testing. Allele origin: germline.

Breakthrough Genomics
Classification: Likely benign. Review status: criteria provided, single submitter. Criteria: ACMG Guidelines, 2015. Collection method: not provided. Allele origin: germline. Inheritance: Autosomal recessive inheritance. Affected: yes.

PreventionGenetics, part of Exact Sciences
Classification: Likely benign for WDR19-related condition. Last evaluated: 2024-03-27. Review status: no assertion criteria provided. Collection method: clinical testing. Allele origin: germline. Not counted in ClinVar's aggregate classification.
Comment: This variant is classified as likely benign based on ACMG/AMP sequence variant interpretation guidelines (Richards et al. 2015 PMID: 25741868, with internal and published modifications).